The following is an entry in ClinVar:

NM_000661.5(RPL9):c.575A>G (p.Glu192Gly)

Gene: RPL9 (ribosomal protein L9; minus strand). Cytogenetic location: 4p14.
Variant type: single nucleotide variant.
Coding change: c.575A>G on transcript NM_000661.5 (MANE Select); coding-DNA position 575, A replaced by G.
Protein change: p.Glu192Gly; replaces glutamic acid 192 with glycine.
Molecular consequence: missense variant.
Genome position (GRCh38, 1-based): chr4:39,454,547, T>C on the plus strand (A>G on the coding strand, the complement: RPL9 is on the minus strand). VCF-style: chr4-39454547-T-C. GRCh37 (hg19) VCF-style: chr4-39456167-T-C.
Other names: c.575A>G, p.Glu192Gly (NM_001024921.4); short protein forms E192G.
Identifiers: ClinVar variation 3156117 (VCV003156117.2), dbSNP rs374515136, ClinGen allele CA2894205.
Genomic context (GRCh38, chr4:39,454,547, plus strand): 5'-ATTCAACTAGAGCAGTAATAAAACTTAAGACACTGTAAGAACTTACCTCTTAGATCTTAT[T>C]CATCAGCCTGCTGAACAGTTCCTTTTTCAGAGACATAGATACCATCCAAAAATTTCCTGA-3'
Protein context (NP_000652.2, residues 182-192): SEKGTVQQAD[Glu192Gly]

ClinVar aggregate classification (germline): Uncertain significance. Review status: criteria provided, multiple submitters, no conflicts (2 of 4 stars). 2 submissions from 2 submitters: Uncertain significance (2). Last evaluated 2025-08-09.

Allele frequency attached by ClinVar (database versions not stated): TOPMed below 0.00001; ExAC 0.00001; gnomAD 0.00001; ESP Exome Variant Server 0.00008.
gnomAD v4.1: 1 of 1,608,148 alleles (0.000062%); highest among the groups gnomAD compares: Non-Finnish European, 0.000085%; no homozygotes.

Submissions (2):

Labcorp Genetics (formerly Invitae), Labcorp
Classification: Uncertain significance. Last evaluated: 2025-08-09. Review status: criteria provided, single submitter. Criteria: Invitae Variant Classification Sherloc (09022015). Collection method: clinical testing. Allele origin: germline.
Comment: This sequence change replaces glutamic acid, which is acidic and polar, with glycine, which is neutral and non-polar, at codon 192 of the RPL9 protein (p.Glu192Gly). This variant is present in population databases (rs374515136, gnomAD 0.007%). This variant has not been reported in the literature in individuals affected with RPL9-related conditions. ClinVar contains an entry for this variant (Variation ID: 3156117). An algorithm developed to predict the effect of missense changes on protein structure and function (PolyPhen-2) suggests that this variant is likely to be tolerated. In summary, the available evidence is currently insufficient to determine the role of this variant in disease. Therefore, it has been classified as a Variant of Uncertain Significance.

Ambry Genetics
Classification: Uncertain significance. Last evaluated: 2023-09-22. Review status: criteria provided, single submitter. Criteria: Ambry Variant Classification Scheme 2023. Collection method: clinical testing. Allele origin: germline.